The following is an entry in ClinVar:

NM_000222.3(KIT):c.2803-2A>C

Gene: KIT (KIT proto-oncogene, receptor tyrosine kinase; plus strand). Cytogenetic location: 4q12.
Variant type: single nucleotide variant.
Coding change: c.2803-2A>C on transcript NM_000222.3 (MANE Select); the canonical splice acceptor site of the intron before coding-DNA position 2803, A replaced by C.
Molecular consequence: splice acceptor variant.
Genome position (GRCh38, 1-based): chr4:54,738,427, A>C. VCF-style: chr4-54738427-A-C. GRCh37 (hg19) VCF-style: chr4-55604593-A-C.
Other names: c.2806-2A>C (NM_001385284.1); c.2803-2A>C (NM_001385290.1); c.2794-2A>C (NM_001385288.1); c.2791-2A>C (NM_001385292.1, NM_001093772.2); c.2800-2A>C (NM_001385285.1); c.2788-2A>C (NM_001385286.1).
Identifiers: ClinVar variation 2089972 (VCV002089972.4), dbSNP rs2109818059, ClinGen allele CA356915602.

ClinVar aggregate classification (germline): Uncertain significance (1 of 4 stars; one submission).

Conditions:
Gastrointestinal stromal tumor. Also called: Gastrointestinal stroma tumor; Gastrointestinal stromal tumor, somatic. Identifiers: Orphanet 44890, MedGen C0238198, MeSH D046152, MONDO:0011719, OMIM 606764, HP:0100723.

Submission:

Labcorp Genetics (formerly Invitae), Labcorp
Classification: Uncertain significance for Gastrointestinal stromal tumor. Last evaluated: 2022-01-26. Review status: criteria provided, single submitter. Criteria: Invitae Variant Classification Sherloc (09022015). Collection method: clinical testing. Allele origin: germline.
Comment: In summary, the available evidence is currently insufficient to determine the role of this variant in disease. Therefore, it has been classified as a Variant of Uncertain Significance. Variants that disrupt the consensus splice site are a relatively common cause of aberrant splicing (PMID: 17576681, 9536098). Algorithms developed to predict the effect of sequence changes on RNA splicing suggest that this variant may disrupt the consensus splice site. This variant has not been reported in the literature in individuals affected with KIT-related conditions. This variant is not present in population databases (gnomAD no frequency). This sequence change affects an acceptor splice site in intron 20 of the KIT gene. While this variant is not anticipated to result in nonsense mediated decay, it likely alters RNA splicing and results in a disrupted protein product.

Literature cited by the submitters: PubMed 17576681; PubMed 9536098.